The following is an entry in ClinVar:

ClinVar aggregate classification (germline): Uncertain significance (1 of 4 stars; one submission).

Allele frequency attached by ClinVar (database versions not stated): gnomAD 0.00001.
gnomAD v4.1: 2 of 1,603,274 alleles (0.00012%); highest among the groups gnomAD compares: Admixed American, 0.0018%; no homozygotes.

Submission:

Labcorp Genetics (formerly Invitae), Labcorp
Classification: Uncertain significance. Last evaluated: 2022-04-20. Review status: criteria provided, single submitter. Criteria: Invitae Variant Classification Sherloc (09022015). Collection method: clinical testing. Allele origin: germline.
Comment: In summary, the available evidence is currently insufficient to determine the role of this variant in disease. Therefore, it has been classified as a Variant of Uncertain Significance. Algorithms developed to predict the effect of missense changes on protein structure and function are either unavailable or do not agree on the potential impact of this missense change (SIFT: "Not Available"; PolyPhen-2: "Benign"; Align-GVGD: "Not Available"). This variant has not been reported in the literature in individuals affected with IFT88-related conditions. This variant is present in population databases (rs776162848, gnomAD 0.003%). This sequence change replaces glutamine, which is neutral and polar, with glutamic acid, which is acidic and polar, at codon 579 of the IFT88 protein (p.Gln579Glu).

NM_006531.5(IFT88):c.1708C>G (p.Gln570Glu)

Gene: IFT88 (intraflagellar transport 88; plus strand). Cytogenetic location: 13q12.11.
Variant type: single nucleotide variant.
Coding change: c.1708C>G on transcript NM_006531.5 (MANE Select); coding-DNA position 1708, C replaced by G.
Protein change: p.Gln570Glu; replaces glutamine 570 with glutamic acid.
Molecular consequence: missense variant. On other transcripts: non-coding transcript variant (4).
Genome position (GRCh38, 1-based): chr13:20,643,480, C>G. VCF-style: chr13-20643480-C-G. GRCh37 (hg19) VCF-style: chr13-21217619-C-G.
Other names: c.1651C>G, p.Gln551Glu (NM_001318491.2, NM_001353575.2); c.1735C>G, p.Gln579Glu (NM_001318493.2, NM_001353565.2, NM_001353566.2 and 2 more transcripts); c.1708C>G, p.Gln570Glu (NM_001353568.2, NM_001353572.2); c.1633C>G, p.Gln545Glu (NM_001353569.2, NM_001353570.2, NM_001353576.2 and 1 more transcripts); c.1606C>G, p.Gln536Glu (NM_001353571.2, NM_001353578.2); c.1564C>G, p.Gln522Glu (NM_001353573.2); c.1549C>G, p.Gln517Glu (NM_001353574.2); c.1075C>G, p.Gln359Glu (NM_001353579.2); short protein forms Q359E, Q522E, Q536E, Q517E, Q551E, Q570E, Q545E, Q579E.
Identifiers: ClinVar variation 1915395 (VCV001915395.5), dbSNP rs776162848, ClinGen allele CA6905518.
Genomic context (GRCh38, chr13:20,643,480, plus strand): 5'-AGAAAACATGTTTTCCTTAACTGACATTGCATAAGATATGAATTAATGGAAAATCCCAGT[C>G]AAGCTATTGAATGGCTAATGCAGGTGGTCAGTGTTATTCCAACCGATCCTCAAGTTTTAT-3'
Protein context (NP_006522.2, residues 560-580): NIYELMENPS[Gln570Glu]AIEWLMQVVS